The following is an entry in ClinVar:

ClinVar aggregate classification (germline): Uncertain significance (1 of 4 stars; one submission).

gnomAD v4.1: 1 of 1,613,954 alleles (0.000062%); highest among the groups gnomAD compares: African/African-American, 0.0013%; no homozygotes.

Submission:

GeneDx
Classification: Uncertain significance. Last evaluated: 2025-03-16. Review status: criteria provided, single submitter. Criteria: GeneDx Variant Classification Process June 2021. Collection method: clinical testing. Allele origin: germline. Affected: yes.
Comment: In silico analysis supports that this missense variant has a deleterious effect on protein structure/function; Has not been previously published as pathogenic or benign to our knowledge

NM_006060.6(IKZF1):c.1459C>G (p.Arg487Gly)

Gene: IKZF1 (IKAROS family zinc finger 1; plus strand). Cytogenetic location: 7p12.2.
Variant type: single nucleotide variant.
Coding change: c.1459C>G on transcript NM_006060.6 (MANE Select); coding-DNA position 1459, C replaced by G.
Protein change: p.Arg487Gly; replaces arginine 487 with glycine.
Molecular consequence: missense variant.
Genome position (GRCh38, 1-based): chr7:50,400,526, C>G. VCF-style: chr7-50400526-C-G. GRCh37 (hg19) VCF-style: chr7-50468224-C-G.
Other names: c.1333C>G, p.Arg445Gly (NM_001220765.3, NM_001291837.2); c.1168C>G, p.Arg390Gly (NM_001220767.2); c.1198C>G, p.Arg400Gly (NM_001220768.2, NM_001291838.2); c.1042C>G, p.Arg348Gly (NM_001220770.2); c.1030C>G, p.Arg344Gly (NM_001220771.2, NM_001291841.1); c.1072C>G, p.Arg358Gly (NM_001291839.2); c.769C>G, p.Arg257Gly (NM_001291840.1); c.1000C>G, p.Arg334Gly (NM_001291842.1); and 3 more; short protein forms R334G, R348G, R358G, R390G, R487G, R507G, R257G, R292G.
Identifiers: ClinVar variation 4088208 (VCV004088208.1).
Genomic context (GRCh38, chr7:50,400,526, plus strand): 5'-TGCCGGGTGCTCTTCCTGGATCACGTCATGTACACCATCCACATGGGCTGCCACGGCTTC[C>G]GTGATCCTTTTGAGTGCAACATGTGCGGCTACCACAGCCAGGACCGGTACGAGTTCTCGT-3'
Protein context (NP_006051.1, residues 477-497): YTIHMGCHGF[Arg487Gly]DPFECNMCGY